The following is an entry in ClinVar:

NM_198253.3(TERT):c.688C>T (p.Arg230Ter)

Gene: TERT (telomerase reverse transcriptase; minus strand). Cytogenetic location: 5p15.33.
Variant type: single nucleotide variant.
Coding change: c.688C>T on transcript NM_198253.3 (MANE Select); coding-DNA position 688, C replaced by T.
Protein change: p.Arg230Ter; replaces arginine 230 with a stop codon.
Molecular consequence: nonsense. On other transcripts: non-coding transcript variant (2).
Genome position (GRCh38, 1-based): chr5:1,294,198, G>A on the plus strand (C>T on the coding strand, the complement: TERT is on the minus strand). VCF-style: chr5-1294198-G-A. GRCh37 (hg19) VCF-style: chr5-1294313-G-A.
Other names: c.688C>T, p.Arg230Ter (NM_001193376.3); short protein forms R230*.
Identifiers: ClinVar variation 645232 (VCV000645232.8), dbSNP rs989271195, ClinGen allele CA359057024.

ClinVar aggregate classification (germline): Pathogenic. Review status: criteria provided, multiple submitters, no conflicts (2 of 4 stars). 2 submissions from 2 submitters: Pathogenic (2). Last evaluated 2025-10-29.

Conditions:
Dyskeratosis congenita, autosomal dominant 2. Identifiers: MedGen C3151443, MONDO:0013521, OMIM 613989.
Idiopathic Pulmonary Fibrosis. Also called: Idiopathic fibrosing alveolitis, chronic form; idiopathic fibrosing alveolitis. Identifiers: Orphanet 2032, MedGen C1800706, MeSH D054990, MONDO:0800504.
Dyskeratosis congenita. Identifiers: Orphanet 1775, MedGen C0265965, MONDO:0015780.

Submissions (2):

Ambry Genetics
Classification: Pathogenic for Dyskeratosis congenita. Last evaluated: 2025-10-29. Review status: criteria provided, single submitter. Criteria: Ambry Variant Classification Scheme 2023. Collection method: clinical testing. Allele origin: germline.
Comment: The p.R230* pathogenic mutation (also known as c.688C>T), located in coding exon 2 of the TERT gene, results from a C to T substitution at nucleotide position 688. This changes the amino acid from an arginine to a stop codon within coding exon 2. This variant is considered to be rare based on population cohorts in the Genome Aggregation Database (gnomAD). This alteration is expected to result in loss of function by premature protein truncation or nonsense-mediated mRNA decay. As such, this alteration is interpreted as a disease-causing mutation.

Labcorp Genetics (formerly Invitae), Labcorp
Classification: Pathogenic for Dyskeratosis congenita, autosomal dominant 2; Idiopathic Pulmonary Fibrosis. Last evaluated: 2018-09-11. Review status: criteria provided, single submitter. Criteria: Invitae Variant Classification Sherloc (09022015). Collection method: clinical testing. Allele origin: germline.
Comment: For these reasons, this variant has been classified as Pathogenic. Loss-of-function variants in TERT are known to be pathogenic (PMID: 16247010, 17460043). This variant has not been reported in the literature in individuals with TERT-related disease. This variant is not present in population databases (ExAC no frequency). This sequence change creates a premature translational stop signal (p.Arg230*) in the TERT gene. It is expected to result in an absent or disrupted protein product.

Literature cited by the submitters: PubMed 16247010 (cited by Labcorp Genetics (formerly Invitae), Labcorp); PubMed 17460043 (cited by Labcorp Genetics (formerly Invitae), Labcorp).